The following is an entry in ClinVar:

ClinVar aggregate classification (germline): Uncertain significance (1 of 4 stars; one submission).

Submission:

Labcorp Genetics (formerly Invitae), Labcorp
Classification: Uncertain significance. Last evaluated: 2024-06-03. Review status: criteria provided, single submitter. Criteria: Invitae Variant Classification Sherloc (09022015). Collection method: clinical testing. Allele origin: germline.
Comment: This sequence change replaces phenylalanine, which is neutral and non-polar, with leucine, which is neutral and non-polar, at codon 705 of the CNNM2 protein (p.Phe705Leu). This variant is not present in population databases (gnomAD no frequency). This variant has not been reported in the literature in individuals affected with CNNM2-related conditions. ClinVar contains an entry for this variant (Variation ID: 2018379). Advanced modeling of protein sequence and biophysical properties (such as structural, functional, and spatial information, amino acid conservation, physicochemical variation, residue mobility, and thermodynamic stability) performed at Invitae indicates that this missense variant is expected to disrupt CNNM2 protein function with a positive predictive value of 80%. In summary, the available evidence is currently insufficient to determine the role of this variant in disease. Therefore, it has been classified as a Variant of Uncertain Significance.

NM_017649.5(CNNM2):c.2115T>A (p.Phe705Leu)

Gene: CNNM2 (cyclin and CBS domain divalent metal cation transport mediator 2; plus strand). Cytogenetic location: 10q24.32.
Variant type: single nucleotide variant.
Coding change: c.2115T>A on transcript NM_017649.5 (MANE Select); coding-DNA position 2115, T replaced by A.
Protein change: p.Phe705Leu; replaces phenylalanine 705 with leucine.
Molecular consequence: missense variant.
Genome position (GRCh38, 1-based): chr10:103,068,670, T>A. VCF-style: chr10-103068670-T-A. GRCh37 (hg19) VCF-style: chr10-104828427-T-A.
Other names: c.2115T>A, p.Phe705Leu (NM_199076.3); short protein forms F705L.
Identifiers: ClinVar variation 2018379 (VCV002018379.4), dbSNP rs2493657395, ClinGen allele CA377960024.